The following is an entry in ClinVar:

NM_006178.4(NSF):c.695G>A (p.Arg232Gln)

Genes: LRRC37A2 (leucine rich repeat containing 37 member A2), NSF (N-ethylmaleimide sensitive factor, vesicle fusing ATPase; plus strand). Cytogenetic location: 17q21.31.
Variant type: single nucleotide variant.
Coding change: c.695G>A on transcript NM_006178.4 (MANE Select); coding-DNA position 695, G replaced by A.
Protein change: p.Arg232Gln; replaces arginine 232 with glutamine.
Molecular consequence: missense variant. On other transcripts: non-coding transcript variant (1).
Genome position (GRCh38, 1-based): chr17:46,643,209, G>A. VCF-style: chr17-46643209-G-A. GRCh37 (hg19) VCF-style: chr17-44720575-G-A.
Other names: short protein forms R232Q.
Identifiers: ClinVar variation 4531662 (VCV004531662.1).
Genomic context (GRCh38, chr17:46,643,209, plus strand): 5'-ACTGGAACTTTGAAAAAATGGGAATAGGAGGTCTAGACAAGGAATTTTCAGATATTTTCC[G>A]ACGAGCATTTGCTTCCCGAGTATTTCCTCCAGAGATTGTGGAGCAGATGGGTAAGTTTAA-3'
Protein context (NP_006169.2, residues 222-242): GLDKEFSDIF[Arg232Gln]RAFASRVFPP

ClinVar aggregate classification (germline): Likely pathogenic (1 of 4 stars; one submission).

Conditions:
Developmental and epileptic encephalopathy 96. Identifiers: MedGen C5543446, MONDO:0023659, OMIM 619340.

Submission:

Victorian Clinical Genetics Services, Murdoch Childrens Research Institute
Classification: Likely pathogenic for Developmental and epileptic encephalopathy 96. Last evaluated: 2025-09-17. Review status: criteria provided, single submitter. Criteria: ACMG Guidelines, 2015. Collection method: clinical testing. Allele origin: germline. Affected: yes.
Comment: This variant is classified as Likely pathogenic. Evidence in support of pathogenic classification: Variant is absent from gnomAD (v2, v3 and v4); This variant has moderate functional evidence supporting abnormal protein function. Functional studies have shown that mutant protein levels were significantly reduced and there was no evidence of expression of the allele containing the variant. In addition, this variant was shown to cause post-translational destabilisation of vesicle fusion machinery and transcriptional suppression of SNARE-cycle effectors (Gene-STEPS HREC#76477; GS#46 EGE report); Missense variant predicted to be damaging by in silico tool(s) or highly conserved with a major amino acid change; Strong phenotype match for this individual; Additional information: Variant is predicted to result in a missense amino acid change from Arg to Gln; This variant is heterozygous; This gene is associated with autosomal dominant disease; This variant has no previous evidence of pathogenicity; No published evidence of segregation with disease has been identified for this variant; No comparable missense variants have previous evidence for pathogenicity; Missense variant in a region that is highly intolerant to missense variation (high constraint region in DECIPHER). However, this region is known to have poor coverage and quality due to segmental duplication; The mechanism of disease for this gene is not clearly established. However, unpublished data suggests missense variants in this gene result in loss of function (Gene-STEPS HREC#76477; GS#46 EGE report).